The following is an entry in ClinVar:

NM_001042413.2(GLIS3):c.2716G>A (p.Glu906Lys)

Gene: GLIS3 (GLIS family zinc finger 3; minus strand). Cytogenetic location: 9p24.2.
Variant type: single nucleotide variant.
Coding change: c.2716G>A on transcript NM_001042413.2 (MANE Select); coding-DNA position 2716, G replaced by A.
Protein change: p.Glu906Lys; replaces glutamic acid 906 with lysine.
Molecular consequence: missense variant.
Genome position (GRCh38, 1-based): chr9:3,828,349, C>T on the plus strand (G>A on the coding strand, the complement: GLIS3 is on the minus strand). VCF-style: chr9-3828349-C-T. GRCh37 (hg19) VCF-style: chr9-3828349-C-T.
Other names: c.2251G>A, p.Glu751Lys (NM_152629.4); short protein forms E751K, E906K.
Identifiers: ClinVar variation 1481208 (VCV001481208.8), dbSNP rs1485002019, ClinGen allele CA372804067.

ClinVar aggregate classification (germline): Uncertain significance (1 of 4 stars; one submission).

Allele frequency attached by ClinVar (database versions not stated): gnomAD exomes below 0.00001.
gnomAD v4.1: 2 of 1,614,018 alleles (0.00012%); highest among the groups gnomAD compares: African/African-American, 0.0013%; no homozygotes.

Submission:

Labcorp Genetics (formerly Invitae), Labcorp
Classification: Uncertain significance. Last evaluated: 2021-09-15. Review status: criteria provided, single submitter. Criteria: Invitae Variant Classification Sherloc (09022015). Collection method: clinical testing. Allele origin: germline.
Comment: This variant is not present in population databases (ExAC no frequency). This sequence change replaces glutamic acid with lysine at codon 751 of the GLIS3 protein (p.Glu751Lys). The glutamic acid residue is highly conserved and there is a small physicochemical difference between glutamic acid and lysine. This variant has not been reported in the literature in individuals affected with GLIS3-related conditions. Algorithms developed to predict the effect of missense changes on protein structure and function are either unavailable or do not agree on the potential impact of this missense change (SIFT: "Deleterious"; PolyPhen-2: "Benign"; Align-GVGD: "Class C0"). In summary, the available evidence is currently insufficient to determine the role of this variant in disease. Therefore, it has been classified as a Variant of Uncertain Significance.